The following is an entry in ClinVar:

NM_033641.4(COL4A6):c.3970+3A>G

Gene: COL4A6 (collagen type IV alpha 6 chain; minus strand). Cytogenetic location: Xq22.3.
Variant type: single nucleotide variant.
Coding change: c.3970+3A>G on transcript NM_033641.4 (MANE Select); 3 bases into the intron after coding-DNA position 3970, A replaced by G.
Molecular consequence: intron variant.
Genome position (GRCh38, 1-based): chrX:108,164,874, T>C on the plus strand (A>G on the coding strand, the complement: COL4A6 is on the minus strand). VCF-style: chrX-108164874-T-C. GRCh37 (hg19) VCF-style: chrX-107408104-T-C.
Other names: c.3973+3A>G (NM_001847.4); c.3898+3A>G (NM_001287760.2, NM_001287759.2); c.4021+3A>G (NM_001287758.2).
Identifiers: ClinVar variation 513621 (VCV000513621.1), dbSNP rs1333354091, ClinGen allele CA658799830.

ClinVar aggregate classification (germline): Likely benign (1 of 4 stars; one submission).

Allele frequency attached by ClinVar (database versions not stated): gnomAD exomes below 0.00001; TOPMed below 0.00001.

Submission:

GeneDx
Classification: Likely benign. Last evaluated: 2017-12-04. Review status: criteria provided, single submitter. Criteria: GeneDx Variant Classification (06012015). Collection method: clinical testing. Allele origin: germline. Affected: yes.
Comment: This variant is considered likely benign or benign based on one or more of the following criteria: it is a conservative change, it occurs at a poorly conserved position in the protein, it is predicted to be benign by multiple in silico algorithms, and/or has population frequency not consistent with disease.